The following is an entry in ClinVar:

NM_001365276.2(TNXB):c.9972C>T (p.Arg3324=)

Gene: TNXB (tenascin XB; minus strand). Cytogenetic location: 6p21.33.
Variant type: single nucleotide variant.
Coding change: c.9972C>T on transcript NM_001365276.2 (MANE Select); coding-DNA position 9972, C replaced by T.
Protein change: p.Arg3324=; no amino-acid change (arginine 3324 retained).
Molecular consequence: synonymous variant.
Genome position (GRCh38, 1-based): chr6:32,048,436, G>A on the plus strand (C>T on the coding strand, the complement: TNXB is on the minus strand). VCF-style: chr6-32048436-G-A. GRCh37 (hg19) VCF-style: chr6-32016213-G-A.
Other names: p.Arg3322=; c.10713C>T, p.Arg3571= (NM_001428335.1); c.9966C>T, p.Arg3322= (NM_019105.8).
Identifiers: ClinVar variation 4188661 (VCV004188661.3).

ClinVar aggregate classification (germline): Uncertain significance. Review status: criteria provided, multiple submitters, no conflicts (2 of 4 stars). 3 submissions from 3 submitters: Uncertain significance (3). Last evaluated 2026-03-31.

Conditions:
Cardiovascular phenotype. Identifiers: MedGen CN230736.

gnomAD v4.1: 8 of 1,574,158 alleles (0.00051%); highest among the groups gnomAD compares: Non-Finnish European, 0.00069%; no homozygotes.

Submissions (3):

GeneDx
Classification: Uncertain significance. Last evaluated: 2026-03-31. Review status: criteria provided, single submitter. Criteria: GeneDx Variant Classification Process June 2021. Collection method: clinical testing. Allele origin: germline.
Comment: Not observed at significant frequency in large population cohorts (gnomAD); In silico analysis supports a deleterious effect on splicing; Has not been previously published as pathogenic or benign to our knowledge

Ambry Genetics
Classification: Uncertain significance for Cardiovascular phenotype. Last evaluated: 2025-07-07. Review status: criteria provided, single submitter. Criteria: Ambry Variant Classification Scheme 2023. Collection method: clinical testing. Allele origin: germline.
Comment: The c.9966C>T variant (also known as p.R3322R), located in coding exon 28 of the TNXB gene, results from a C to T substitution at nucleotide position 9966. This nucleotide substitution does not change the amino acid at codon 3322. This nucleotide position is not well conserved in available vertebrate species. In silico splice site analysis predicts that this alteration will result in the creation or strengthening of a novel splice donor site. Based on the available evidence, the clinical significance of this variant remains unclear.

Mayo Clinic Laboratories, Mayo Clinic
Classification: Uncertain significance. Last evaluated: 2025-07-03. Review status: criteria provided, single submitter. Criteria: ACMG Guidelines, 2015. Collection method: clinical testing. Allele origin: germline. Observed: 1 variant allele.
Comment: PM2_supporting